The following is an entry in ClinVar:

NM_000069.3(CACNA1S):c.4819C>T (p.Gln1607Ter)

Gene: CACNA1S (calcium voltage-gated channel subunit alpha1 S; minus strand). Cytogenetic location: 1q32.1.
Variant type: single nucleotide variant.
Coding change: c.4819C>T on transcript NM_000069.3 (MANE Select); coding-DNA position 4819, C replaced by T.
Protein change: p.Gln1607Ter; replaces glutamine 1607 with a stop codon.
Molecular consequence: nonsense.
Genome position (GRCh38, 1-based): chr1:201,043,510, G>A on the plus strand (C>T on the coding strand, the complement: CACNA1S is on the minus strand). VCF-style: chr1-201043510-G-A. GRCh37 (hg19) VCF-style: chr1-201012638-G-A.
Other names: short protein forms Q1607*.
Identifiers: ClinVar variation 1990993 (VCV001990993.4), dbSNP rs1342285831, ClinGen allele CA344137776.

ClinVar aggregate classification (germline): Pathogenic (1 of 4 stars; one submission).

Conditions:
Hypokalemic periodic paralysis, type 1. Also called: HypoPP; Hypokalemic Periodic Paralysis Type 1 (AD). Identifiers: Orphanet 681, MedGen C3714580, MONDO:0042979, OMIM 170400.
Malignant hyperthermia, susceptibility to, 5 (MHS5). Also called: CACNA1S-Related Malignant Hyperthermia Susceptibility. Identifiers: Orphanet 423, MedGen C1866077, MONDO:0011163, OMIM 601887.

Allele frequency attached by ClinVar (database versions not stated): TOPMed below 0.00001.

Submission:

Labcorp Genetics (formerly Invitae), Labcorp
Classification: Pathogenic for Hypokalemic periodic paralysis, type 1; Malignant hyperthermia, susceptibility to, 5. Last evaluated: 2022-01-01. Review status: criteria provided, single submitter. Criteria: Invitae Variant Classification Sherloc (09022015). Collection method: clinical testing. Allele origin: germline.
Comment: For these reasons, this variant has been classified as Pathogenic. This variant has not been reported in the literature in individuals affected with CACNA1S-related conditions. This variant is not present in population databases (gnomAD no frequency). This sequence change creates a premature translational stop signal (p.Gln1607*) in the CACNA1S gene. It is expected to result in an absent or disrupted protein product. Loss-of-function variants in CACNA1S are known to be pathogenic (PMID: 26247046, 28012042).

Literature cited by the submitters: PubMed 26247046; PubMed 28012042.